The following is an entry in ClinVar:

NM_014855.3(AP5Z1):c.502del (p.Leu168fs)

Gene: AP5Z1 (adaptor related protein complex 5 subunit zeta 1; plus strand). Cytogenetic location: 7p22.1.
Variant type: Deletion.
Coding change: c.502del on transcript NM_014855.3 (MANE Select); coding-DNA position 502, one base deleted (C; older notation c.502delC).
Protein change: p.Leu168fs; shifts the reading frame from leucine 168.
Molecular consequence: frameshift variant. On other transcripts: non-coding transcript variant (1).
Genome position (GRCh38, 1-based): chr7:4,783,451, C deleted; the last of 3 consecutive C bases (chr7:4,783,449-4,783,451); deleting any one gives the same sequence. VCF-style (leftmost placement, unchanged base first): chr7-4783448-AC-A. GRCh37 (hg19) VCF-style: chr7-4823079-AC-A.
Other names: c.34del, p.Leu12fs (NM_001364858.1); short protein forms L12fs, L168fs.
Identifiers: ClinVar variation 3234899 (VCV003234899.1), dbSNP rs2534040086, ClinGen allele CA2578818627.

ClinVar aggregate classification (germline): Likely pathogenic (1 of 4 stars; one submission).

Conditions:
Hereditary spastic paraplegia 48. Also called: SPASTIC PARAPLEGIA 48, AUTOSOMAL RECESSIVE; Spastic paraplegia 48. Identifiers: Orphanet 306511, MedGen C3150901, MONDO:0013342, OMIM 613647.

Submission:

Neuberg Centre For Genomic Medicine, NCGM
Classification: Likely pathogenic for Hereditary spastic paraplegia 48. Review status: criteria provided, single submitter. Criteria: ACMG Guidelines, 2015. Collection method: clinical testing. Allele origin: germline. Inheritance: Autosomal recessive inheritance. Affected: yes.
Comment: The frameshift c.502del p.Leu168SerfsTer51 variant in the AP5Z1 gene has not been reported previously as a pathogenic variant nor as a benign variant, to our knowledge. This variant is novel not in any individuals in gnomAD Exomes and 1000 Genomes. This variant causes a frameshift starting with codon Leucine 168, changes this amino acid to Serine residue, and creates a premature Stop codon at position 51 of the new reading frame, denoted p.Leu168SerfsTer51. This variant is predicted to cause a loss of normal protein function through protein truncation. Loss of function variants has been previously reported to be disease causing Pensato et al., 2014. For these reasons, this variant has been classified as Likely Pathogenic.